The following is an entry in ClinVar:

ClinVar aggregate classification (germline): Conflicting classifications of pathogenicity. Review status: criteria provided, conflicting classifications (1 of 4 stars). 4 submissions from 3 submitters: Uncertain significance (2); Likely benign (2). Last evaluated 2025-06-12.

Conditions:
Retinitis pigmentosa (RP). Identifiers: Orphanet 791, MedGen C0035334, MeSH D012174, MONDO:0019200, OMIM 268000. Inheritance: Autosomal dominant, autosomal recessive and X linked inheritance.
Congenital stationary night blindness autosomal dominant 1. Also called: NIGHT BLINDNESS, CONGENITAL STATIONARY, RHODOPSIN-RELATED. Identifiers: Orphanet 215, MedGen C1864869, MONDO:0012498, OMIM 610445.

Allele frequency attached by ClinVar (database versions not stated): gnomAD 0.00005; TOPMed 0.00005; gnomAD exomes 0.00006 and 0.00018; ExAC 0.00007; ESP Exome Variant Server 0.00015.
gnomAD v4.1: 266 of 1,614,002 alleles (0.016%); highest among the groups gnomAD compares: Non-Finnish European, 0.022%; no homozygotes.

Submissions (4):

Labcorp Genetics (formerly Invitae), Labcorp
Classification: Likely benign. Last evaluated: 2025-06-12. Review status: criteria provided, single submitter. Criteria: Invitae Variant Classification Sherloc (09022015). Collection method: clinical testing. Allele origin: germline.

Blueprint Genetics
Classification: Likely benign. Last evaluated: 2024-05-20. Review status: criteria provided, single submitter. Criteria: ACMG Guidelines, 2015. Collection method: clinical testing. Allele origin: germline.

Illumina Laboratory Services, Illumina
Classification: Uncertain significance for Congenital stationary night blindness autosomal dominant 1. Last evaluated: 2017-04-27. Review status: criteria provided, single submitter. Criteria: ICSL Variant Classification Criteria 13 December 2019. Collection method: clinical testing. Allele origin: germline.

Illumina Laboratory Services, Illumina
Classification: Uncertain significance for Retinitis pigmentosa. Last evaluated: 2017-04-27. Review status: criteria provided, single submitter. Criteria: ICSL Variant Classification Criteria 13 December 2019. Collection method: clinical testing. Allele origin: germline.
Comment: This variant was observed as part of a predisposition screen in an ostensibly healthy population. A literature search was performed for the gene, cDNA change, and amino acid change (where applicable). Publications were found based on this search. However, the evidence from the literature, in combination with allele frequency data from public databases where available, was not sufficient to rule this variant in or out of causing disease. Therefore, this variant is classified as a variant of unknown significance.

Literature cited by the submitters: PubMed 20591486 (cited by Illumina Laboratory Services, Illumina); PubMed 25097241 (cited by Illumina Laboratory Services, Illumina); PubMed 2509724 (cited by Illumina Laboratory Services, Illumina).

NM_000539.3(RHO):c.697-11G>A

Gene: RHO (rhodopsin; plus strand). Cytogenetic location: 3q22.1.
Variant type: single nucleotide variant.
Coding change: c.697-11G>A on transcript NM_000539.3 (MANE Select); 11 bases into the intron before coding-DNA position 697, G replaced by A.
Molecular consequence: intron variant.
Genome position (GRCh38, 1-based): chr3:129,532,522, G>A. VCF-style: chr3-129532522-G-A. GRCh37 (hg19) VCF-style: chr3-129251365-G-A.
Identifiers: ClinVar variation 899389 (VCV000899389.12), dbSNP rs367631575, ClinGen allele CA2607270.